The following is an entry in ClinVar:

NM_014822.4(SEC24D):c.852C>T (p.Ala284=)

Gene: SEC24D (SEC24 homolog D, COPII coat complex component; minus strand). Cytogenetic location: 4q26.
Variant type: single nucleotide variant.
Coding change: c.852C>T on transcript NM_014822.4 (MANE Select); coding-DNA position 852, C replaced by T.
Protein change: p.Ala284=; no amino-acid change (alanine 284 retained).
Molecular consequence: synonymous variant.
Genome position (GRCh38, 1-based): chr4:118,805,904, G>A on the plus strand (C>T on the coding strand, the complement: SEC24D is on the minus strand). VCF-style: chr4-118805904-G-A. GRCh37 (hg19) VCF-style: chr4-119727059-G-A.
Other names: c.855C>T, p.Ala285= (NM_001318066.2).
Identifiers: ClinVar variation 3357413 (VCV003357413.1).

ClinVar aggregate classification (germline): Likely benign (0 of 4 stars; one submission).

Conditions:
SEC24D-related disorder. Also called: SEC24D-related condition.

gnomAD v4.1: 2 of 1,596,724 alleles (0.00013%); highest among the groups gnomAD compares: Non-Finnish European, 0.00017%; no homozygotes.

Submission:

PreventionGenetics, part of Exact Sciences
Classification: Likely benign for SEC24D-related condition. Last evaluated: 2024-05-16. Review status: no assertion criteria provided. Collection method: clinical testing. Allele origin: germline.
Comment: This variant is classified as likely benign based on ACMG/AMP sequence variant interpretation guidelines (Richards et al. 2015 PMID: 25741868, with internal and published modifications).